The following is an entry in ClinVar:

ClinVar aggregate classification (germline): Uncertain significance (1 of 4 stars; one submission).

Conditions:
Immunodeficiency 14 (IMD14A). Also called: p110-DELTA-ACTIVATING MUTATION CAUSING SENESCENT T CELLS, LYMPHADENOPATHY, AND IMMUNODEFICIENCY; ACTIVATED PI3K-DELTA SYNDROME 1; Activated PI3K Delta Syndrome Type 1 (APDS1); IMMUNODEFICIENCY 14A WITH LYMPHOPROLIFERATION, AUTOSOMAL DOMINANT. Identifiers: Orphanet 397596, Orphanet 693661, MedGen C5907821, MONDO:0014222, OMIM 615513.

gnomAD v4.1: 1 of 1,613,618 alleles (0.000062%); highest among the groups gnomAD compares: Non-Finnish European, 0.000085%; no homozygotes.

Submission:

Labcorp Genetics (formerly Invitae), Labcorp
Classification: Uncertain significance for Activated PI3K-delta syndrome. Last evaluated: 2026-02-01. Review status: criteria provided, single submitter. Criteria: Invitae Variant Classification Sherloc (09022015). Collection method: clinical testing. Allele origin: germline.
Comment: This sequence change replaces glutamic acid, which is acidic and polar, with alanine, which is neutral and non-polar, at codon 767 of the PIK3CD protein (p.Glu767Ala). This variant is not present in population databases (gnomAD no frequency). This variant has not been reported in the literature in individuals affected with PIK3CD-related conditions. Invitae Evidence Modeling of protein sequence and biophysical properties (such as structural, functional, and spatial information, amino acid conservation, physicochemical variation, residue mobility, and thermodynamic stability) has been performed for this missense variant. However, the output from this modeling did not meet the statistical confidence thresholds required to predict the impact of this variant on PIK3CD protein function. In summary, the available evidence is currently insufficient to determine the role of this variant in disease. Therefore, it has been classified as a Variant of Uncertain Significance.

NM_005026.5(PIK3CD):c.2300A>C (p.Glu767Ala)

Gene: PIK3CD (phosphatidylinositol-4,5-bisphosphate 3-kinase catalytic subunit delta; plus strand). Cytogenetic location: 1p36.22.
Variant type: single nucleotide variant.
Coding change: c.2300A>C on transcript NM_005026.5 (MANE Select); coding-DNA position 2300, A replaced by C.
Protein change: p.Glu767Ala; replaces glutamic acid 767 with alanine.
Molecular consequence: missense variant.
Genome position (GRCh38, 1-based): chr1:9,722,309, A>C. VCF-style: chr1-9722309-A-C. GRCh37 (hg19) VCF-style: chr1-9782367-A-C.
Other names: c.2297A>C, p.Glu766Ala (NM_001350234.2, NM_001439206.1); c.2213A>C, p.Glu738Ala (NM_001350235.1); c.2300A>C, p.Glu767Ala (NM_001437546.1); c.2156A>C, p.Glu719Ala (NM_001437547.1, NM_001438338.1); short protein forms E766A, E738A, E767A, E719A.
Identifiers: ClinVar variation 4742151 (VCV004742151.1).
Genomic context (GRCh38, chr1:9,722,309, plus strand): 5'-AGCAGTGCACCTTCATGGACTCCAAGATGAAGCCCCTGTGGATCATGTACAGCAACGAGG[A>C]GGCAGGCAGCGGCGGCAGCGTGGGCATCATCTTTAAGAACGGGGATGGTGAGGGCCTGGC-3'
Protein context (NP_005017.3, residues 757-777): KPLWIMYSNE[Glu767Ala]AGSGGSVGII